The following is an entry in ClinVar:

ClinVar aggregate classification (germline): Pathogenic (1 of 4 stars; one submission).

Conditions:
ALG6-congenital disorder of glycosylation 1C (CDG1C). Also called: Congenital disorder of glycosylation, type Ic; CARBOHYDRATE-DEFICIENT GLYCOPROTEIN SYNDROME, TYPE I, WITH DEFICIENT GLYCOSYLATION OF DOLICHOL-LINKED OLIGOSACCHARIDE; CARBOHYDRATE-DEFICIENT GLYCOPROTEIN SYNDROME, TYPE V; Congenital disorder of glycosylation type 1C; CDG Ic. Identifiers: Orphanet 79320, MedGen C2930997, MONDO:0011291, OMIM 603147.

Submission:

Labcorp Genetics (formerly Invitae), Labcorp
Classification: Pathogenic for ALG6-congenital disorder of glycosylation 1C. Last evaluated: 2023-11-21. Review status: criteria provided, single submitter. Criteria: Invitae Variant Classification Sherloc (09022015). Collection method: clinical testing. Allele origin: germline.
Comment: This sequence change creates a premature translational stop signal (p.Val239Trpfs*22) in the ALG6 gene. It is expected to result in an absent or disrupted protein product. Loss-of-function variants in ALG6 are known to be pathogenic (PMID: 19862844). This variant is not present in population databases (gnomAD no frequency). This variant has not been reported in the literature in individuals affected with ALG6-related conditions. For these reasons, this variant has been classified as Pathogenic.

Literature cited by the submitters: PubMed 19862844.

NM_013339.4(ALG6):c.714del (p.Val239fs)

Gene: ALG6 (ALG6 alpha-1,3-glucosyltransferase; plus strand). Cytogenetic location: 1p31.3.
Variant type: Deletion.
Coding change: c.714del on transcript NM_013339.4 (MANE Select); coding-DNA position 714, one base deleted (T; older notation c.714delT).
Protein change: p.Val239fs; shifts the reading frame from valine 239.
Molecular consequence: frameshift variant.
Genome position (GRCh38, 1-based): chr1:63,411,959, T deleted; the last of 2 consecutive T bases (chr1:63,411,958-63,411,959); deleting either gives the same sequence. VCF-style (leftmost placement, unchanged base first): chr1-63411957-GT-G. GRCh37 (hg19) VCF-style: chr1-63877628-GT-G.
Other names: short protein forms V239fs.
Identifiers: ClinVar variation 2968176 (VCV002968176.3), dbSNP rs2523750296, ClinGen allele CA2646020863.